The following is an entry in ClinVar:

ClinVar aggregate classification (germline): Likely benign (1 of 4 stars; one submission).

gnomAD v4.1: 6 of 1,614,080 alleles (0.00037%); highest among the groups gnomAD compares: Middle Eastern, 0.033%; no homozygotes.

Submission:

CeGaT Center for Human Genetics Tuebingen
Classification: Likely benign. Last evaluated: 2025-12-01. Review status: criteria provided, single submitter. Criteria: CeGaT Center For Human Genetics Tuebingen Variant Classification Criteria Version 2. Collection method: clinical testing. Allele origin: germline. Affected: yes. Observed: 1 variant allele.
Comment: FOXP1: BS2

NM_001349338.3(FOXP1):c.1125A>T (p.Glu375Asp)

Gene: FOXP1 (forkhead box P1; minus strand). Cytogenetic location: 3p13.
Variant type: single nucleotide variant.
Coding change: c.1125A>T on transcript NM_001349338.3 (MANE Select); coding-DNA position 1125, A replaced by T.
Protein change: p.Glu375Asp; replaces glutamic acid 375 with aspartic acid.
Molecular consequence: missense variant. On other transcripts: non-coding transcript variant (2).
Genome position (GRCh38, 1-based): chr3:70,988,015, T>A on the plus strand (A>T on the coding strand, the complement: FOXP1 is on the minus strand). VCF-style: chr3-70988015-T-A. GRCh37 (hg19) VCF-style: chr3-71037166-T-A.
Other names: c.1125A>T, p.Glu375Asp (NM_001244808.3, NM_001244810.2, NM_001244814.3 and 3 more transcripts); c.897A>T, p.Glu299Asp (NM_001244812.3); c.825A>T, p.Glu275Asp (NM_001244813.3, NM_001244815.2, NM_001349342.3 and 1 more transcripts); c.822A>T, p.Glu274Asp (NM_001349337.2, NM_001349343.3, NM_001349344.3); c.1122A>T, p.Glu374Asp (NM_001349341.3); short protein forms E274D, E275D, E299D, E374D, E375D.
Identifiers: ClinVar variation 4681645 (VCV004681645.5).